The following is an entry in ClinVar:

ClinVar aggregate classification (germline): Uncertain significance (1 of 4 stars; one submission).

Submission:

Women's Health and Genetics/Laboratory Corporation of America, LabCorp
Classification: Uncertain significance. Last evaluated: 2025-02-18. Review status: criteria provided, single submitter. Criteria: LabCorp Variant Classification Summary - May 2015. Collection method: clinical testing. Allele origin: germline.
Comment: Variant summary: NPR2 c.2800G>A (p.Ala934Thr) results in a non-conservative amino acid change located in the Nucleotide cyclase domain (IPR029787) of the encoded protein sequence. Five of five in-silico tools predict a damaging effect of the variant on protein function. The variant was absent in 251254 control chromosomes. The available data on variant occurrences in the general population are insufficient to allow any conclusion about variant significance. To our knowledge, no occurrence of c.2800G>A in individuals affected with NPR2-Related Disorders and no experimental evidence demonstrating its impact on protein function have been reported. No submitters have cited clinical-significance assessments for this variant to ClinVar. Based on the evidence outlined above, the variant was classified as uncertain significance.

NM_003995.4(NPR2):c.2800G>A (p.Ala934Thr)

Genes: NPR2 (natriuretic peptide receptor 2; plus strand), SPAG8 (sperm associated antigen 8; minus strand). Cytogenetic location: 9p13.3.
Variant type: single nucleotide variant.
Coding change: c.2800G>A on transcript NM_003995.4 (MANE Select); coding-DNA position 2800, G replaced by A.
Protein change: p.Ala934Thr; replaces alanine 934 with threonine.
Molecular consequence: missense variant. On other transcripts: intron variant (2).
Genome position (GRCh38, 1-based): chr9:35,808,596, G>A. VCF-style: chr9-35808596-G-A. GRCh37 (hg19) VCF-style: chr9-35808593-G-A.
Other names: c.2809G>A, p.Ala937Thr (NM_001378923.1); c.1201-290C>T (NM_001366760.2); c.1373-290C>T (NM_172312.2); short protein forms A934T, A937T.
Identifiers: ClinVar variation 3769005 (VCV003769005.1).